The following is an entry in ClinVar:

ClinVar aggregate classification (germline): Uncertain significance (1 of 4 stars; one submission).

Allele frequency attached by ClinVar (database versions not stated): gnomAD exomes below 0.00001; ExAC 0.00001.
gnomAD v4.1: 2 of 1,614,144 alleles (0.00012%); highest among the groups gnomAD compares: Non-Finnish European, 0.00017%; no homozygotes.

Submission:

Labcorp Genetics (formerly Invitae), Labcorp
Classification: Uncertain significance. Last evaluated: 2022-08-13. Review status: criteria provided, single submitter. Criteria: Invitae Variant Classification Sherloc (09022015). Collection method: clinical testing. Allele origin: germline.
Comment: In summary, the available evidence is currently insufficient to determine the role of this variant in disease. Therefore, it has been classified as a Variant of Uncertain Significance. Algorithms developed to predict the effect of missense changes on protein structure and function are either unavailable or do not agree on the potential impact of this missense change (SIFT: "Deleterious"; PolyPhen-2: "Probably Damaging"; Align-GVGD: "Class C0"). This variant has not been reported in the literature in individuals affected with DNASE1L3-related conditions. This variant is present in population databases (rs773365095, gnomAD 0.0009%). This sequence change replaces cysteine, which is neutral and slightly polar, with serine, which is neutral and polar, at codon 24 of the DNASE1L3 protein (p.Cys24Ser).

NM_004944.4(DNASE1L3):c.71G>C (p.Cys24Ser)

Gene: DNASE1L3 (deoxyribonuclease 1L3; minus strand). Cytogenetic location: 3p14.3.
Variant type: single nucleotide variant.
Coding change: c.71G>C on transcript NM_004944.4 (MANE Select); coding-DNA position 71, G replaced by C.
Protein change: p.Cys24Ser; replaces cysteine 24 with serine.
Molecular consequence: missense variant.
Genome position (GRCh38, 1-based): chr3:58,210,836, C>G on the plus strand (G>C on the coding strand, the complement: DNASE1L3 is on the minus strand). VCF-style: chr3-58210836-C-G. GRCh37 (hg19) VCF-style: chr3-58196563-C-G.
Other names: c.71G>C, p.Cys24Ser (NM_001256560.2); short protein forms C24S.
Identifiers: ClinVar variation 2058688 (VCV002058688.4), dbSNP rs773365095, ClinGen allele CA2470134.